The following is an entry in ClinVar:

NM_001080449.3(DNA2):c.1647-34C>T

Gene: DNA2 (DNA replication helicase/nuclease 2; minus strand). Cytogenetic location: 10q21.3.
Variant type: single nucleotide variant.
Coding change: c.1647-34C>T on transcript NM_001080449.3 (MANE Select); 34 bases into the intron before coding-DNA position 1647, C replaced by T.
Molecular consequence: intron variant.
Genome position (GRCh38, 1-based): chr10:68,432,544, G>A on the plus strand (C>T on the coding strand, the complement: DNA2 is on the minus strand). VCF-style: chr10-68432544-G-A. GRCh37 (hg19) VCF-style: chr10-70192301-G-A.
Identifiers: ClinVar variation 675593 (VCV000675593.2), dbSNP rs114589128, ClinGen allele CA5525017.
Genomic context (GRCh38, chr10:68,432,544, plus strand): 5'-GTTGATTCTGGAAGGACCGACAAGTTTCTAAAACAACAAAACAAATATACATGAATGCTC[G>A]CCATTTCGCATAGTCTGTATAAGAAATATGCTGCTATCTGCTAAAAGAATGAATGGGCCA-3'

ClinVar aggregate classification (germline): Benign. Review status: criteria provided, multiple submitters, no conflicts (2 of 4 stars). 2 submissions from 2 submitters: Benign (2). Last evaluated 2018-06-16.

Allele frequency attached by ClinVar (database versions not stated): gnomAD exomes 0.00595; ExAC 0.01015; 1000 Genomes Project 0.02396; gnomAD 0.02536 and 0.02750; 1000 Genomes Project 30x 0.02623; ESP Exome Variant Server 0.02630; TOPMed 0.02932.
gnomAD v4.1: 6,384 of 1,161,876 alleles (0.55%); highest among the groups gnomAD compares: African/African-American, 8.7%; 260 homozygotes.

Submissions (2):

GeneDx
Classification: Benign. Last evaluated: 2018-06-16. Review status: criteria provided, single submitter. Criteria: GeneDx Variant Classification (06012015). Collection method: clinical testing. Allele origin: germline. Affected: yes.
Comment: This variant is considered likely benign or benign based on one or more of the following criteria: it is a conservative change, it occurs at a poorly conserved position in the protein, it is predicted to be benign by multiple in silico algorithms, and/or has population frequency not consistent with disease.

Breakthrough Genomics
Classification: Benign. Review status: criteria provided, single submitter. Criteria: ACMG Guidelines, 2015. Collection method: not provided. Allele origin: germline. Inheritance: Autosomal recessive inheritance. Affected: yes.